The following is an entry in ClinVar:

NM_000206.3(IL2RG):c.499del (p.Glu167fs)

Gene: IL2RG (interleukin 2 receptor subunit gamma; minus strand). Cytogenetic location: Xq13.1.
Variant type: Deletion.
Coding change: c.499del on transcript NM_000206.3 (MANE Select); coding-DNA position 499, one base deleted (G; older notation c.499delG).
Protein change: p.Glu167fs; shifts the reading frame from glutamic acid 167.
Molecular consequence: frameshift variant.
Genome position (GRCh38, 1-based): chrX:71,110,251, C deleted on the plus strand (G on the coding strand, the reverse complement: IL2RG is on the minus strand). VCF-style (leftmost placement, unchanged base first): chrX-71110250-TC-T. GRCh37 (hg19) VCF-style: chrX-70330100-TC-T.
Other names: c.499del, p.Glu167fs (NM_001438870.1); short protein forms E167fs.
Identifiers: ClinVar variation 4734910 (VCV004734910.1).

ClinVar aggregate classification (germline): Pathogenic (1 of 4 stars; one submission).

Conditions:
X-linked severe combined immunodeficiency (SCIDX1). Also called: IMMUNODEFICIENCY 4; SCID, X-LINKED; SEVERE COMBINED IMMUNODEFICIENCY, X-LINKED, T CELL-NEGATIVE, B CELL-POSITIVE, NK CELL-NEGATIVE; X-Linked Combined Immunodeficiency Diseases; T-B+ severe combined immunodeficiency due to gamma chain deficiency. Identifiers: Orphanet 276, MedGen C6022468, MONDO:0010315, OMIM 300400. Disease mechanism: loss of function.

Submission:

Labcorp Genetics (formerly Invitae), Labcorp
Classification: Pathogenic for X-linked severe combined immunodeficiency. Last evaluated: 2026-01-14. Review status: criteria provided, single submitter. Criteria: Invitae Variant Classification Sherloc (09022015). Collection method: clinical testing. Allele origin: germline.
Comment: This sequence change creates a premature translational stop signal (p.Glu167Asnfs*4) in the IL2RG gene. It is expected to result in an absent or disrupted protein product. Loss-of-function variants in IL2RG are known to be pathogenic (PMID: 9058718, 10794430). This variant is not present in population databases (gnomAD no frequency). This variant has not been reported in the literature in individuals affected with IL2RG-related conditions. Algorithms developed to predict the effect of sequence changes on RNA splicing suggest that this variant may disrupt the consensus splice site. For these reasons, this variant has been classified as Pathogenic.

Literature cited by the submitters: PubMed 9058718; PubMed 10794430.